The following is an entry in ClinVar:

NM_004360.5(CDH1):c.1296C>G (p.Asn432Lys)

Gene: CDH1 (cadherin 1; plus strand). Cytogenetic location: 16q22.1.
Variant type: single nucleotide variant.
Coding change: c.1296C>G on transcript NM_004360.5 (MANE Select); coding-DNA position 1296, C replaced by G.
Protein change: p.Asn432Lys; replaces asparagine 432 with lysine.
Molecular consequence: missense variant. On other transcripts: 5 prime UTR variant (2), intron variant (1).
Genome position (GRCh38, 1-based): chr16:68,813,471, C>G. VCF-style: chr16-68813471-C-G. GRCh37 (hg19) VCF-style: chr16-68847374-C-G.
Other names: NM_004360.5(CDH1):c.1296C>G; p.Asn432Lys; c.1296C>G (LRG_301t1); c.-320C>G (NM_001317185.2); c.-524C>G (NM_001317186.2); c.1137+1208C>G (NM_001317184.2); short protein forms N432K.
Identifiers: ClinVar variation 186937 (VCV000186937.23), dbSNP rs187862045, ClinGen allele CA196286.

ClinVar aggregate classification (germline): Likely benign. Review status: reviewed by expert panel (3 of 4 stars). 9 submissions from 9 submitters: Likely benign (1). 8 of the submissions do not count toward it. Last evaluated 2023-09-25.

Conditions:
Familial cancer of breast. Also called: BREAST CANCER, FAMILIAL; Hereditary breast cancer; hereditary breast carcinoma. Identifiers: Orphanet 227535, MedGen C0346153, MONDO:0016419, OMIM 114480. Disease mechanism: loss of function.
Ovarian cancer. Also called: OVARIAN CANCER, SOMATIC. Identifiers: Orphanet 213500, MedGen C1140680, MONDO:0008170, OMIM 167000.
Hereditary cancer-predisposing syndrome. Also called: Hereditary Cancer Syndrome; Neoplastic Syndromes, Hereditary; Tumor predisposition; Hereditary neoplastic syndrome. Identifiers: Orphanet 140162, MedGen C0027672, MeSH D009386, MONDO:0015356.
CDH1-related diffuse gastric and lobular breast cancer syndrome. Also called: CDH1-related diffuse gastric and lobular breast cancer. Identifiers: MedGen CN311521, MONDO:0100488.
Neoplasm of stomach. Also called: Gastric neoplasm; Stomach Neoplasms; Neoplasm of the stomach. Identifiers: MedGen C0038356, MONDO:0021085, HP:0006753. Disease mechanism: gain of function. Inheritance: Somatic mutation.
Hereditary diffuse gastric adenocarcinoma (HDGC). Also called: DIFFUSE GASTRIC AND LOBULAR BREAST CANCER SYNDROME. Identifiers: Orphanet 26106, MedGen C1708349, MONDO:0007648, OMIM 137215.

Allele frequency attached by ClinVar (database versions not stated): TOPMed 0.00004.
gnomAD v4.1: 11 of 1,614,028 alleles (0.00068%); highest among the groups gnomAD compares: East Asian, 0.02%; no homozygotes.

Submissions (9):

Clingen Gastric Cancer Variant Curation Expert Panel
Classification: Likely benign for CDH1-related diffuse gastric and lobular breast cancer syndrome. Last evaluated: 2023-09-25. Review status: reviewed by expert panel. Criteria: ClinGen CDH1 ACMG Specifications V3.1. Collection method: curation. Allele origin: germline. Inheritance: Autosomal dominant inheritance.
Comment: NM_004360.5(CDH1):c.1296C>G (p.Asn432Lys) variant has been observed in more than 10 (29) individuals without a diagnosis of diffuse gastric cancer, signet ring tumor or lobular breast cancer and whose family histories do not suggest HDGC (BS2; ClinVar SCVs: SCV000217409.6, SCV000545471.7, internal lab contributors). The CDH1-VCEP recommended a variant to reach a likely benign classification based on BS2 alone. In summary, the clinical significance of this variant is classified as likely benign based on BS2 alone. ACMG/AMP criteria applied, as specified by the CDH1 Variant Curation Expert Panel (Variant Interpretation Guidelines Version 3.1): BS2.

Labcorp Genetics (formerly Invitae), Labcorp
Classification: Likely benign for Hereditary diffuse gastric adenocarcinoma. Last evaluated: 2026-01-29. Review status: criteria provided, single submitter. Criteria: Invitae Variant Classification Sherloc (09022015). Collection method: clinical testing. Allele origin: germline. Not counted in ClinVar's aggregate classification.

Ambry Genetics
Classification: Likely benign for Hereditary cancer-predisposing syndrome. Last evaluated: 2024-12-05. Review status: criteria provided, single submitter. Criteria: Ambry Variant Classification Scheme 2023. Collection method: clinical testing. Allele origin: germline. Not counted in ClinVar's aggregate classification.

Baylor Genetics
Classification: Uncertain significance for Familial cancer of breast. Last evaluated: 2024-01-16. Review status: criteria provided, single submitter. Criteria: ACMG Guidelines, 2015. Collection method: clinical testing. Allele origin: unknown. Not counted in ClinVar's aggregate classification.

Laboratory of Molecular Epidemiology of Birth Defects, West China Second University Hospital, Sichuan University
Classification: Likely pathogenic for Ovarian cancer. Last evaluated: 2022-01-01. Review status: criteria provided, single submitter. Criteria: ACMG Guidelines, 2015. Collection method: clinical testing. Allele origin: germline. Affected: yes. Not counted in ClinVar's aggregate classification.

Color Diagnostics, LLC DBA Color Health
Classification: Uncertain significance for Hereditary cancer-predisposing syndrome. Last evaluated: 2021-07-15. Review status: criteria provided, single submitter. Criteria: ACMG Guidelines, 2015. Collection method: clinical testing. Allele origin: germline. Not counted in ClinVar's aggregate classification.
Comment: This missense variant replaces asparagine with lysine at codon 432 of the CDH1 protein. To our knowledge, functional studies have not been reported for this variant. This variant has been reported in individuals affected with breast and gastric cancer in the literature (PMID: 23435907, 25927356), but also in unaffected controls (PMID: 30287823). This variant has been identified in 6/251484 chromosomes in the general population by the Genome Aggregation Database (gnomAD). The available evidence is insufficient to determine the role of this variant in disease conclusively. Therefore, this variant is classified as a Variant of Uncertain Significance.

Department of Pathology and Laboratory Medicine, Sinai Health System
Classification: Uncertain significance for Familial cancer of breast; Ovarian cancer. Last evaluated: 2020-10-23. Review status: criteria provided, single submitter. Criteria: ACMG Guidelines, 2015. Collection method: clinical testing. Allele origin: germline. Affected: yes. Not counted in ClinVar's aggregate classification.

Women's Health and Genetics/Laboratory Corporation of America, LabCorp
Classification: Uncertain significance. Last evaluated: 2019-12-23. Review status: criteria provided, single submitter. Criteria: LabCorp Variant Classification Summary - May 2015. Collection method: clinical testing. Allele origin: germline. Not counted in ClinVar's aggregate classification.
Comment: Variant summary: CDH1 c.1296C>G (p.Asn432Lys) results in a non-conservative amino acid change located in the Cadherin-like domain (IPR002126) of the encoded protein sequence. Four of five in-silico tools predict a damaging effect of the variant on protein function. 4/5 computational tools predict no significant impact on normal splicing. However, one experimental study showed this variant generated the exon9-skipping (Li_2013). However, in the absence of experimental evidence evaluating an impact on protein function, this observation does not allow convincing conclusions about the variant effect. Furthermore, the ACMG guidelines for CDH1 variants recommend a supporting (not strong or moderate) weight for evidence that would result in in-frame transcripts such as deletion of exon 9 in CDH1. The variant allele was found at a frequency of 2.9e-05 in 274816 control chromosomes (gnomAD and publications). The available data on variant occurrences in the general population are insufficient to allow any conclusion about variant significance. c.1296C>G has been reported in the literature in individuals affected with breast cancer and gastric cancer as well as in two health controls (Li_2013, Yang_2015, Momozawa_2018). These reports do not provide unequivocal conclusions about association of the variant with Breast Cancer. Four ClinVar submitters (evaluation after 2014) cite the variant as uncertain significance (3x) and likely pathogenic (1x). Based on the evidence outlined above, the variant was classified as uncertain significance.

3DMed Clinical Laboratory Inc
Classification: Likely pathogenic for Neoplasm of stomach. Last evaluated: 2017-12-08. Review status: no assertion criteria provided. Criteria: ACMG Guidelines, 2015. Collection method: clinical testing. Allele origin: germline. Affected: yes. Not counted in ClinVar's aggregate classification.

Literature cited by the submitters: PubMed 23435907 (cited by 3 submitters); PubMed 25927356 (cited by 3 submitters); PubMed 30287823 (cited by 3 submitters).